The following is an entry in ClinVar:

ClinVar aggregate classification (germline): Likely pathogenic. Review status: reviewed by expert panel (3 of 4 stars). 2 submissions from 2 submitters: Likely pathogenic (1). 1 of the submissions does not count toward it. Last evaluated 2026-05-19.

Conditions:
SHORT syndrome. Also called: SHORT STATURE, HYPEREXTENSIBILITY, HERNIA, OCULAR DEPRESSION, RIEGER ANOMALY, AND TEETHING DELAY; LIPODYSTROPHY, PARTIAL, WITH RIEGER ANOMALY AND SHORT STATURE; PIK3R1-Related SHORT Syndrome. Identifiers: Orphanet 3163, MedGen C0878684, MONDO:0010026, OMIM 269880.
PIK3R1-related immunodeficiency and SHORT syndrome. Identifiers: MedGen CN379774, MONDO:1060136.

Submissions (2):

ClinGen Primary Immune Regulatory Disorders Variant Curation Expert Panel, ClinGen
Classification: Likely pathogenic for PIK3R1-related immunodeficiency and SHORT syndrome. Last evaluated: 2026-05-19. Review status: reviewed by expert panel. Criteria: ClinGen AbDef ACMG Specifications PIK3R1 V1.0.0. Collection method: curation. Allele origin: germline. Inheritance: Autosomal dominant inheritance.
Comment: NM_181523.3(PIK3R1):c.1957A>T (p.Lys653Ter) is a nonsense variant that introduces a premature stop codon into exon 15 of 16, which is predicted not to trigger nonsense-mediated decay but rather to C-terminally truncate PIK3R1 and disrupt the cSH2 domain (PVS1_Strong). This variant is absent from gnomAD v4.1.0 (PM2_Supporting). and dysmorphic facial features including a triangular face with a small chin, deeply set eyes, and low‐set ears (2 pts), which together are consistent with PIK3R1 immunodeficiency with SHORT syndrome, but genotyping by direct sequencing of the insulin receptor gene and exons 11–16 of the PIK3R1 gene did not exclude alternative causes in other loci (7.5 total points, PMID: 40420722, PS2_Supporting). The variant has been reported to segregate with PIK3R1-related immunodeficiency and SHORT syndrome through at least 1 affected meiosis from 1 family (PMID: 40420664, PP1). In summary, this variant meets the criteria to be classified as likely pathogenic for autosomal dominant PIK3R1-related immunodeficiency and SHORT syndrome based on the ACMG/AMP criteria applied, as specified by the ClinGen Antibody Deficiencies VCEP: PVS1_Strong, PM2_Supporting, PS2_Supporting, PP1. (VCEP specifications version 1.0.0; date of approval 04/29/2026).

Palindrome, Gene Kavoshgaran Aria
Classification: Pathogenic for SHORT syndrome. Last evaluated: 2025-02-16. Review status: criteria provided, single submitter. Criteria: ACMG Guidelines, 2015. Collection method: clinical testing. Allele origin: germline. Inheritance: Autosomal dominant inheritance. Affected: yes. Observed: 1 heterozygote. Not counted in ClinVar's aggregate classification.

NM_181523.3(PIK3R1):c.1957A>T (p.Lys653Ter)

Gene: PIK3R1 (phosphoinositide-3-kinase regulatory subunit 1; plus strand). Cytogenetic location: 5q13.1.
Variant type: single nucleotide variant.
Coding change: c.1957A>T on transcript NM_181523.3 (MANE Select); coding-DNA position 1957, A replaced by T.
Protein change: p.Lys653Ter; replaces lysine 653 with a stop codon.
Molecular consequence: nonsense.
Genome position (GRCh38, 1-based): chr5:68,296,313, A>T. VCF-style: chr5-68296313-A-T. GRCh37 (hg19) VCF-style: chr5-67592141-A-T.
Other names: NM_181523.3(PIK3R1):c.1957A>T; p.Lys653Ter; c.868A>T, p.Lys290Ter (NM_001242466.2); c.1147A>T, p.Lys383Ter (NM_181504.4); c.1057A>T, p.Lys353Ter (NM_181524.2); short protein forms K290*, K353*, K383*, K653*.
Identifiers: ClinVar variation 3767319 (VCV003767319.2).